The following is an entry in ClinVar:

ClinVar aggregate classification (germline): Likely benign (1 of 4 stars; one submission).

Allele frequency attached by ClinVar (database versions not stated): TOPMed 0.00001; gnomAD 0.00002 and 0.00003; gnomAD exomes 0.00008 and 0.00014; 1000 Genomes Project 30x 0.00016; ExAC 0.00017; 1000 Genomes Project 0.00020.
gnomAD v4.1: 122 of 1,611,382 alleles (0.0076%); highest among the groups gnomAD compares: South Asian, 0.13%; 1 homozygote.

Submission:

GeneDx
Classification: Likely benign. Last evaluated: 2017-07-31. Review status: criteria provided, single submitter. Criteria: GeneDx Variant Classification (06012015). Collection method: clinical testing. Allele origin: germline. Affected: yes.
Comment: This variant is considered likely benign or benign based on one or more of the following criteria: it is a conservative change, it occurs at a poorly conserved position in the protein, it is predicted to be benign by multiple in silico algorithms, and/or has population frequency not consistent with disease.

NM_003282.4(TNNI2):c.277-15C>T

Gene: TNNI2 (troponin I2, fast skeletal type; plus strand). Cytogenetic location: 11p15.5.
Variant type: single nucleotide variant.
Coding change: c.277-15C>T on transcript NM_003282.4 (MANE Select); 15 bases into the intron before coding-DNA position 277, C replaced by T.
Molecular consequence: intron variant.
Genome position (GRCh38, 1-based): chr11:1,841,016, C>T. VCF-style: chr11-1841016-C-T. GRCh37 (hg19) VCF-style: chr11-1862246-C-T.
Other names: c.277-15C>T (NM_001145829.2, NM_001145841.2).
Identifiers: ClinVar variation 511100 (VCV000511100.1), dbSNP rs542401031, ClinGen allele CA5815225.